The following is an entry in ClinVar:

ClinVar aggregate classification (germline): Uncertain significance (1 of 4 stars; one submission).

Submission:

Labcorp Genetics (formerly Invitae), Labcorp
Classification: Uncertain significance. Last evaluated: 2025-10-08. Review status: criteria provided, single submitter. Criteria: Invitae Variant Classification Sherloc (09022015). Collection method: clinical testing. Allele origin: germline.
Comment: This sequence change replaces proline, which is neutral and non-polar, with leucine, which is neutral and non-polar, at codon 390 of the UTP4 protein (p.Pro390Leu). This variant is not present in population databases (gnomAD no frequency). This variant has not been reported in the literature in individuals affected with UTP4-related conditions. ClinVar contains an entry for this variant (Variation ID: 3671225). Invitae Evidence Modeling of protein sequence and biophysical properties (such as structural, functional, and spatial information, amino acid conservation, physicochemical variation, residue mobility, and thermodynamic stability) indicates that this missense variant is not expected to disrupt UTP4 protein function with a negative predictive value of 80%. Algorithms developed to predict the effect of sequence changes on RNA splicing suggest that this variant may disrupt the consensus splice site. In summary, the available evidence is currently insufficient to determine the role of this variant in disease. Therefore, it has been classified as a Variant of Uncertain Significance.

NM_032830.3(UTP4):c.1169C>T (p.Pro390Leu)

Gene: UTP4 (UTP4 small subunit processome component). Cytogenetic location: 16q22.1.
Variant type: single nucleotide variant.
Coding change: c.1169C>T on transcript NM_032830.3 (MANE Select); coding-DNA position 1169, C replaced by T.
Protein change: p.Pro390Leu; replaces proline 390 with leucine.
Molecular consequence: missense variant.
Genome position (GRCh38, 1-based): chr16:69,155,875, C>T. VCF-style: chr16-69155875-C-T. GRCh37 (hg19) VCF-style: chr16-69189778-C-T.
Other names: c.920C>T, p.Pro307Leu (NM_001318391.2); short protein forms P307L, P390L.
Identifiers: ClinVar variation 3671225 (VCV003671225.2).
Genomic context (GRCh38, chr16:69,155,875, plus strand): 5'-GCACCTTGTTATGTGAAGTTTAATTGCACATTCATCTTGATTCCTGATATTGCCAGGGTC[C>T]TGAGAACATTATCTGTAGCTGTATCTCCCCATGTGGAAGTTGGATAGCCTATTCTACAGT-3'
Protein context (NP_116219.2, residues 380-400): DHLLHLKTKG[Pro390Leu]ENIICSCISP